The following is an entry in ClinVar:

NM_013262.4(MYLIP):c.88-3T>C

Gene: MYLIP (myosin regulatory light chain interacting protein; plus strand). Cytogenetic location: 6p22.3.
Variant type: single nucleotide variant.
Coding change: c.88-3T>C on transcript NM_013262.4 (MANE Select); 3 bases into the intron before coding-DNA position 88, T replaced by C.
Molecular consequence: intron variant.
Genome position (GRCh38, 1-based): chr6:16,130,554, T>C. VCF-style: chr6-16130554-T-C. GRCh37 (hg19) VCF-style: chr6-16130785-T-C.
Other names: c.88-3T>C (NM_001436627.1).
Identifiers: ClinVar variation 4804401 (VCV004804401.1).

ClinVar aggregate classification (germline): Uncertain significance (1 of 4 stars; one submission).

Submission:

Labcorp Genetics (formerly Invitae), Labcorp
Classification: Uncertain significance. Last evaluated: 2025-12-09. Review status: criteria provided, single submitter. Criteria: Invitae Variant Classification Sherloc (09022015). Collection method: clinical testing. Allele origin: germline.
Comment: This sequence change falls in intron 1 of the MYLIP gene. It does not directly change the encoded amino acid sequence of the MYLIP protein. It affects a nucleotide within the consensus splice site. This variant is not present in population databases (gnomAD no frequency). This variant has not been reported in the literature in individuals affected with MYLIP-related conditions. Variants that disrupt the consensus splice site are a relatively common cause of aberrant splicing (PMID: 17576681, 9536098). Algorithms developed to predict the effect of sequence changes on RNA splicing suggest that this variant is not likely to affect RNA splicing. In summary, the available evidence is currently insufficient to determine the role of this variant in disease. Therefore, it has been classified as a Variant of Uncertain Significance.

Literature cited by the submitters: PubMed 17576681; PubMed 9536098.